The following is an entry in ClinVar:

ClinVar aggregate classification (germline): Uncertain significance (1 of 4 stars; one submission).

Submission:

Labcorp Genetics (formerly Invitae), Labcorp
Classification: Uncertain significance. Last evaluated: 2023-10-24. Review status: criteria provided, single submitter. Criteria: Invitae Variant Classification Sherloc (09022015). Collection method: clinical testing. Allele origin: germline.
Comment: This sequence change replaces arginine, which is basic and polar, with proline, which is neutral and non-polar, at codon 138 of the COL10A1 protein (p.Arg138Pro). This variant is not present in population databases (gnomAD no frequency). This variant has not been reported in the literature in individuals affected with COL10A1-related conditions. Advanced modeling of protein sequence and biophysical properties (such as structural, functional, and spatial information, amino acid conservation, physicochemical variation, residue mobility, and thermodynamic stability) performed at Invitae indicates that this missense variant is not expected to disrupt COL10A1 protein function with a negative predictive value of 80%. In summary, the available evidence is currently insufficient to determine the role of this variant in disease. Therefore, it has been classified as a Variant of Uncertain Significance.

NM_000493.4(COL10A1):c.413G>C (p.Arg138Pro)

Genes: COL10A1 (collagen type X alpha 1 chain; minus strand), NT5DC1 (5'-nucleotidase domain containing 1; plus strand). Cytogenetic location: 6q22.1.
Variant type: single nucleotide variant.
Coding change: c.413G>C on transcript NM_000493.4 (MANE Select); coding-DNA position 413, G replaced by C.
Protein change: p.Arg138Pro; replaces arginine 138 with proline.
Molecular consequence: missense variant. On other transcripts: intron variant (1).
Genome position (GRCh38, 1-based): chr6:116,121,703, C>G on the plus strand (G>C on the coding strand, the complement: COL10A1 is on the minus strand). VCF-style: chr6-116121703-C-G. GRCh37 (hg19) VCF-style: chr6-116442866-C-G.
Other names: c.413G>C, p.Arg138Pro (NM_001424107.1, NM_001424106.1); c.529+3758C>G (NM_152729.3); short protein forms R138P.
Identifiers: ClinVar variation 2771624 (VCV002771624.3), dbSNP rs151327195, ClinGen allele CA365395801.